The following is an entry in ClinVar:

ClinVar aggregate classification (germline): Likely benign. Review status: criteria provided, multiple submitters, no conflicts (2 of 4 stars). 5 submissions from 5 submitters: Likely benign (2). 3 of the submissions do not count toward it. Last evaluated 2022-10-01.

Conditions:
POF1B-related disorder. Also called: POF1B-related condition.

Allele frequency attached by ClinVar (database versions not stated): 1000 Genomes Project 0.00026; TOPMed 0.00040; 1000 Genomes Project 30x 0.00042; gnomAD 0.00045 and 0.00046; gnomAD exomes 0.00050 and 0.00069; ExAC 0.00072; ESP Exome Variant Server 0.00114.
gnomAD v4.1: 782 of 1,178,369 alleles (0.066%); highest among the groups gnomAD compares: Middle Eastern, 0.42%; no homozygotes.

Submissions (5):

CeGaT Center for Human Genetics Tuebingen
Classification: Likely benign. Last evaluated: 2022-10-01. Review status: criteria provided, single submitter. Criteria: CeGaT Center For Human Genetics Tuebingen Variant Classification Criteria Version 2. Collection method: clinical testing. Allele origin: germline. Affected: yes. Observed: 1 variant allele.
Comment: POF1B: BP4, BP7

Breakthrough Genomics
Classification: Likely benign. Review status: criteria provided, single submitter. Criteria: ACMG Guidelines, 2015. Collection method: not provided. Allele origin: germline. Inheritance: X-linked inheritance. Affected: yes.

PreventionGenetics, part of Exact Sciences
Classification: Likely benign for POF1B-related condition. Last evaluated: 2019-05-08. Review status: no assertion criteria provided. Collection method: clinical testing. Allele origin: germline. Not counted in ClinVar's aggregate classification.
Comment: This variant is classified as likely benign based on ACMG/AMP sequence variant interpretation guidelines (Richards et al. 2015 PMID: 25741868, with internal and published modifications).

Clinical Genetics DNA and cytogenetics Diagnostics Lab, Erasmus MC, Erasmus Medical Center
Classification: Likely benign. Review status: no assertion criteria provided. Collection method: clinical testing. Allele origin: germline. Affected: yes. Study: VKGL Data-share Consensus. Not counted in ClinVar's aggregate classification.

Laboratory of Diagnostic Genome Analysis, Leiden University Medical Center (LUMC)
Classification: Likely benign. Review status: no assertion criteria provided. Collection method: clinical testing. Allele origin: germline. Affected: yes. Study: VKGL Data-share Consensus. Not counted in ClinVar's aggregate classification.

NM_024921.4(POF1B):c.885G>A (p.Ser295=)

Gene: POF1B (POF1B actin binding protein; minus strand). Cytogenetic location: Xq21.1.
Variant type: single nucleotide variant.
Coding change: c.885G>A on transcript NM_024921.4 (MANE Select); coding-DNA position 885, G replaced by A.
Protein change: p.Ser295=; no amino-acid change (serine 295 retained).
Molecular consequence: synonymous variant.
Genome position (GRCh38, 1-based): chrX:85,314,504, C>T on the plus strand (G>A on the coding strand, the complement: POF1B is on the minus strand). VCF-style: chrX-85314504-C-T. GRCh37 (hg19) VCF-style: chrX-84569510-C-T.
Other names: c.885G>A, p.Ser295= (NM_001307940.2); c.885G>A (NM_024921.3).
Identifiers: ClinVar variation 1300002 (VCV001300002.27), dbSNP rs141403678, ClinGen allele CA10465071.